The following is an entry in ClinVar:

ClinVar aggregate classification (germline): Uncertain significance (1 of 4 stars; one submission).

Conditions:
Chuvash polycythemia. Also called: POLYCYTHEMIA, VHL-DEPENDENT. Identifiers: Orphanet 238557, MedGen C1837915, MONDO:0009892, OMIM 263400.
Von Hippel-Lindau syndrome (VHLS). Also called: Von Hippel-Lindau; VHL syndrome; von Hippel–Lindau syndrome. Identifiers: Orphanet 892, MedGen C0019562, MONDO:0008667, OMIM 193300. Disease mechanism: loss of function.

Allele frequency attached by ClinVar (database versions not stated): gnomAD 0.00001.
gnomAD v4.1: 1 of 152,748 alleles (0.00065%); highest among the groups gnomAD compares: South Asian, 0.021%; no homozygotes.

Submission:

Labcorp Genetics (formerly Invitae), Labcorp
Classification: Uncertain significance for Von Hippel-Lindau syndrome; Chuvash polycythemia. Last evaluated: 2022-03-10. Review status: criteria provided, single submitter. Criteria: Invitae Variant Classification Sherloc (09022015). Collection method: clinical testing. Allele origin: germline.
Comment: In summary, the available evidence is currently insufficient to determine the role of this variant in disease. Therefore, it has been classified as a Variant of Uncertain Significance. Algorithms developed to predict the effect of sequence changes on RNA splicing suggest that this variant is not likely to affect RNA splicing. Experimental studies and prediction algorithms are not available or were not evaluated, and the functional significance of this variant is currently unknown. This variant has not been reported in the literature in individuals affected with VHL-related conditions. This variant is not present in population databases (gnomAD no frequency). This sequence change falls in intron 1 of the VHL gene. It is not expected to change the encoded amino acid sequence of the VHL protein. However, this sequence change falls within a cryptic exon in the VHL gene, known as exon E1’, which is naturally expressed at low levels in several human tissues (PMID: 29891534).

Literature cited by the submitters: PubMed 29891534.

NM_000551.4(VHL):c.340+753G>A

Genes: VHL (von Hippel-Lindau tumor suppressor; plus strand), LOC107303340 (3p25 von Hippel-Lindau tumor suppressor, E3 ubiquitin protein ligase Alu-mediated recombination region; plus strand). Cytogenetic location: 3p25.3.
Variant type: single nucleotide variant.
Coding change: c.340+753G>A on transcript NM_000551.4 (MANE Select); 753 bases into the intron after coding-DNA position 340, G replaced by A.
Molecular consequence: intron variant. On other transcripts: missense variant (1).
Genome position (GRCh38, 1-based): chr3:10,142,940, G>A. VCF-style: chr3-10142940-G-A. GRCh37 (hg19) VCF-style: chr3-10184624-G-A.
Other names: c.518G>A, p.Gly173Asp (NM_001354723.2); c.340+753G>A (NM_198156.3); short protein forms G173D.
Identifiers: ClinVar variation 1503291 (VCV001503291.8), dbSNP rs2125126065, ClinGen allele CA2573136133.